The following is an entry in ClinVar:

NM_001082486.2(ACD):c.206G>C (p.Cys69Ser)

Gene: ACD (ACD shelterin complex subunit and telomerase recruitment factor; minus strand). Cytogenetic location: 16q22.1.
Variant type: single nucleotide variant.
Coding change: c.206G>C on transcript NM_001082486.2 (MANE Select); coding-DNA position 206, G replaced by C.
Protein change: p.Cys69Ser; replaces cysteine 69 with serine.
Molecular consequence: missense variant.
Genome position (GRCh38, 1-based): chr16:67,659,939, C>G on the plus strand (G>C on the coding strand, the complement: ACD is on the minus strand). VCF-style: chr16-67659939-C-G. GRCh37 (hg19) VCF-style: chr16-67693842-C-G.
Other names: c.197G>C, p.Cys66Ser (NM_022914.3); short protein forms C66S, C69S.
Identifiers: ClinVar variation 1413267 (VCV001413267.8), dbSNP rs748312961, ClinGen allele CA396356614.

ClinVar aggregate classification (germline): Uncertain significance. Review status: criteria provided, multiple submitters, no conflicts (2 of 4 stars). 2 submissions from 2 submitters: Uncertain significance (2). Last evaluated 2022-06-11.

Conditions:
Dyskeratosis congenita, autosomal dominant 6 (DKCA6). Identifiers: Orphanet 3322, MedGen C4225284, MONDO:0014690, OMIM 616553.
Inborn genetic diseases. Identifiers: MedGen C0950123, MeSH D030342.

Submissions (2):

Ambry Genetics
Classification: Uncertain significance for Inborn genetic diseases. Last evaluated: 2022-06-11. Review status: criteria provided, single submitter. Criteria: Ambry Variant Classification Scheme 2023. Collection method: clinical testing. Allele origin: germline.
Comment: The p.C155S variant (also known as c.464G>C), located in coding exon 2 of the ACD gene, results from a G to C substitution at nucleotide position 464. The cysteine at codon 155 is replaced by serine, an amino acid with dissimilar properties. This amino acid position is conserved. In addition, the in silico prediction for this alteration is inconclusive. Since supporting evidence is limited at this time, the clinical significance of this alteration remains unclear.

Labcorp Genetics (formerly Invitae), Labcorp
Classification: Uncertain significance for Dyskeratosis congenita, autosomal dominant 6. Last evaluated: 2021-11-01. Review status: criteria provided, single submitter. Criteria: Invitae Variant Classification Sherloc (09022015). Collection method: clinical testing. Allele origin: germline.
Comment: In summary, the available evidence is currently insufficient to determine the role of this variant in disease. Therefore, it has been classified as a Variant of Uncertain Significance. Algorithms developed to predict the effect of missense changes on protein structure and function are either unavailable or do not agree on the potential impact of this missense change (SIFT: "Tolerated"; PolyPhen-2: "Probably Damaging"; Align-GVGD: "Class C0"). This variant has not been reported in the literature in individuals affected with ACD-related conditions. This variant is not present in population databases (gnomAD no frequency). This sequence change replaces cysteine, which is neutral and slightly polar, with serine, which is neutral and polar, at codon 155 of the ACD protein (p.Cys155Ser).